The following is an entry in ClinVar:

ClinVar aggregate classification (germline): Pathogenic (1 of 4 stars; one submission).

Submission:

Labcorp Genetics (formerly Invitae), Labcorp
Classification: Pathogenic. Last evaluated: 2022-01-28. Review status: criteria provided, single submitter. Criteria: Invitae Variant Classification Sherloc (09022015). Collection method: clinical testing. Allele origin: germline.
Comment: For these reasons, this variant has been classified as Pathogenic. This variant disrupts a region of the MYO7A protein in which other variant(s) (p.Gly1497Arg) have been determined to be pathogenic (PMID: 27460420; Invitae). This suggests that this is a clinically significant region of the protein, and that variants that disrupt it are likely to be disease-causing. This variant has not been reported in the literature in individuals affected with MYO7A-related conditions. This variant results in the deletion of exon 34 and part of exon 35 (c.4442-264_4658del) of the MYO7A gene. It is expected to disrupt RNA splicing. Variants that disrupt the donor or acceptor splice site typically lead to a loss of protein function (PMID: 16199547), and loss-of-function variants in MYO7A are known to be pathogenic (PMID: 8900236, 25404053).

Literature cited by the submitters: PubMed 27460420; PubMed 16199547; PubMed 8900236; PubMed 25404053.

NC_000011.9:g.(?_76909274)_(76910667_?)del

Gene: MYO7A (myosin VIIA; plus strand). Cytogenetic location: 11q13.5.
Variant type: Deletion.
Identifiers: ClinVar variation 2422704 (VCV002422704.3).